The following is an entry in ClinVar:

ClinVar aggregate classification (germline): Uncertain significance. Review status: criteria provided, multiple submitters, no conflicts (2 of 4 stars). 3 submissions from 3 submitters: Uncertain significance (3). Last evaluated 2026-05-22.

Conditions:
Inborn genetic diseases. Identifiers: MedGen C0950123, MeSH D030342.

Submissions (3):

GeneDx
Classification: Uncertain significance. Last evaluated: 2026-05-22. Review status: criteria provided, single submitter. Criteria: GeneDx Variant Classification Process June 2021. Collection method: clinical testing. Allele origin: germline.
Comment: Not observed at significant frequency in large population cohorts (gnomAD); In silico analysis supports that this missense variant has a deleterious effect on protein structure/function; Has not been previously published as pathogenic or benign to our knowledge

Mayo Clinic Laboratories, Mayo Clinic
Classification: Uncertain significance. Last evaluated: 2024-09-19. Review status: criteria provided, single submitter. Criteria: ACMG Guidelines, 2015. Collection method: clinical testing. Allele origin: germline. Observed: 1 variant allele.
Comment: PP3

Ambry Genetics
Classification: Uncertain significance for Inborn genetic diseases. Last evaluated: 2024-08-20. Review status: criteria provided, single submitter. Criteria: Ambry Variant Classification Scheme 2023. Collection method: clinical testing. Allele origin: germline.

NM_000540.3(RYR1):c.5015T>C (p.Val1672Ala)

Gene: RYR1 (ryanodine receptor 1; plus strand). Cytogenetic location: 19q13.2.
Variant type: single nucleotide variant.
Coding change: c.5015T>C on transcript NM_000540.3 (MANE Select); coding-DNA position 5015, T replaced by C.
Protein change: p.Val1672Ala; replaces valine 1672 with alanine.
Molecular consequence: missense variant.
Genome position (GRCh38, 1-based): chr19:38,485,670, T>C. VCF-style: chr19-38485670-T-C. GRCh37 (hg19) VCF-style: chr19-38976310-T-C.
Other names: p.Val1672Ala; c.5015T>C, p.Val1672Ala (NM_001042723.2); short protein forms V1672A.
Identifiers: ClinVar variation 3380612 (VCV003380612.4).